The following is an entry in ClinVar:

ClinVar aggregate classification (germline): Uncertain significance. Review status: criteria provided, multiple submitters, no conflicts (2 of 4 stars). 3 submissions from 3 submitters: Uncertain significance (3). Last evaluated 2023-06-30.

Conditions:
Cardiovascular phenotype. Identifiers: MedGen CN230736.
Autosomal recessive limb-girdle muscular dystrophy type 2J (LGMDR10). Also called: Limb-girdle muscular dystrophy, type 2J; MUSCULAR DYSTROPHY, LIMB-GIRDLE, AUTOSOMAL RECESSIVE 10. Identifiers: Orphanet 140922, MedGen C1837342, MONDO:0012127, OMIM 608807.
Dilated cardiomyopathy 1G (CMD1G). Identifiers: Orphanet 154, MedGen C1858763, MONDO:0011400, OMIM 604145.

Allele frequency attached by ClinVar (database versions not stated): ExAC 0.00009; gnomAD 0.00009; TOPMed 0.00009.
gnomAD v4.1: 42 of 1,613,584 alleles (0.0026%); highest among the groups gnomAD compares: East Asian, 0.025%; no homozygotes.

Submissions (3):

Revvity Omics, Revvity
Classification: Uncertain significance. Last evaluated: 2023-06-30. Review status: criteria provided, single submitter. Criteria: ACMG Guidelines, 2015. Collection method: clinical testing. Allele origin: germline.

Ambry Genetics
Classification: Uncertain significance for Cardiovascular phenotype. Last evaluated: 2019-06-07. Review status: criteria provided, single submitter. Criteria: Ambry Variant Classification Scheme 2023. Collection method: clinical testing. Allele origin: germline.
Comment: The p.R14148H variant (also known as c.42443G>A), located in coding exon 152 of the TTN gene, results from a G to A substitution at nucleotide position 42443. The arginine at codon 14148 is replaced by histidine, an amino acid with highly similar properties. This amino acid position is highly conserved in available vertebrate species. In addition, the in silico prediction for this alteration is inconclusive. Since supporting evidence is limited at this time, the clinical significance of this alteration remains unclear.

Labcorp Genetics (formerly Invitae), Labcorp
Classification: Uncertain significance for Dilated cardiomyopathy 1G; Autosomal recessive limb-girdle muscular dystrophy type 2J. Last evaluated: 2017-03-25. Review status: criteria provided, single submitter. Criteria: Invitae Variant Classification Sherloc (09022015). Collection method: clinical testing. Allele origin: germline.

NM_001267550.2(TTN):c.69638G>A (p.Arg23213His)

Genes: TTN (titin; minus strand), TTN-AS1 (TTN antisense RNA 1; plus strand), LOC126806422 (BRD4-independent group 4 enhancer GRCh37_chr2:179440205-179441404; plus strand). Cytogenetic location: 2q31.2.
Variant type: single nucleotide variant.
Coding change: c.69638G>A on transcript NM_001267550.2 (MANE Select); coding-DNA position 69638, G replaced by A.
Protein change: p.Arg23213His; replaces arginine 23213 with histidine.
Molecular consequence: missense variant.
Genome position (GRCh38, 1-based): chr2:178,576,606, C>T on the plus strand (G>A on the coding strand, the complement: TTN is on the minus strand). VCF-style: chr2-178576606-C-T. GRCh37 (hg19) VCF-style: chr2-179441333-C-T.
Other names: c.64715G>A, p.Arg21572His (NM_001256850.1); c.42443G>A, p.Arg14148His (NM_003319.4); c.61934G>A, p.Arg20645His (NM_133378.4); c.42818G>A, p.Arg14273His (NM_133432.3); c.43019G>A, p.Arg14340His (NM_133437.4); short protein forms R23213H, R14148H, R14273H, R14340H, R20645H, R21572H.
Identifiers: ClinVar variation 467422 (VCV000467422.7), dbSNP rs374883884, ClinGen allele CA1990911.